The following is an entry in ClinVar:

ClinVar aggregate classification (germline): Uncertain significance. Review status: criteria provided, multiple submitters, no conflicts (2 of 4 stars). 2 submissions from 2 submitters: Uncertain significance (2). Last evaluated 2025-11-25.

Conditions:
Hereditary cancer-predisposing syndrome. Also called: Neoplastic Syndromes, Hereditary; Tumor predisposition; Hereditary Cancer Syndrome; Hereditary neoplastic syndrome. Identifiers: Orphanet 140162, MedGen C0027672, MeSH D009386, MONDO:0015356.

Allele frequency attached by ClinVar (database versions not stated): gnomAD exomes 0.00001.

Submissions (2):

Ambry Genetics
Classification: Uncertain significance for Hereditary cancer-predisposing syndrome. Last evaluated: 2025-11-25. Review status: criteria provided, single submitter. Criteria: Ambry Variant Classification Scheme 2023. Collection method: clinical testing. Allele origin: germline.
Comment: The p.H211Y variant (also known as c.631C>T), located in coding exon 3 of the XRCC2 gene, results from a C to T substitution at nucleotide position 631. The histidine at codon 211 is replaced by tyrosine, an amino acid with similar properties. This amino acid position is poorly conserved in available vertebrate species. In addition, this alteration is predicted to be tolerated by in silico analysis. Since supporting evidence is limited at this time, the clinical significance of this alteration remains unclear.

Labcorp Genetics (formerly Invitae), Labcorp
Classification: Uncertain significance. Last evaluated: 2025-07-21. Review status: criteria provided, single submitter. Criteria: Invitae Variant Classification Sherloc (09022015). Collection method: clinical testing. Allele origin: germline.
Comment: This sequence change replaces histidine, which is basic and polar, with tyrosine, which is neutral and polar, at codon 211 of the XRCC2 protein (p.His211Tyr). This variant is not present in population databases (gnomAD no frequency). This variant has not been reported in the literature in individuals affected with XRCC2-related conditions. ClinVar contains an entry for this variant (Variation ID: 1752828). An algorithm developed to predict the effect of missense changes on protein structure and function (PolyPhen-2) suggests that this variant is likely to be tolerated. In summary, the available evidence is currently insufficient to determine the role of this variant in disease. Therefore, it has been classified as a Variant of Uncertain Significance.

NM_005431.2(XRCC2):c.631C>T (p.His211Tyr)

Gene: XRCC2 (X-ray repair cross complementing 2; minus strand). Cytogenetic location: 7q36.1.
Variant type: single nucleotide variant.
Coding change: c.631C>T on transcript NM_005431.2 (MANE Select); coding-DNA position 631, C replaced by T.
Protein change: p.His211Tyr; replaces histidine 211 with tyrosine.
Molecular consequence: missense variant.
Genome position (GRCh38, 1-based): chr7:152,648,854, G>A on the plus strand (C>T on the coding strand, the complement: XRCC2 is on the minus strand). VCF-style: chr7-152648854-G-A. GRCh37 (hg19) VCF-style: chr7-152345939-G-A.
Other names: short protein forms H211Y.
Identifiers: ClinVar variation 1752828 (VCV001752828.6), dbSNP rs2116987347, ClinGen allele CA370198284.
Genomic context (GRCh38, chr7:152,648,854, plus strand): 5'-ATGCCTTACAGAGATAAGGTCTGTAGTCTATGTCCACATCACACAGTCGTCGAGAGGCAT[G>A]AGAAGGTTCTTCTGATGAGCTCGAGGCTTTCTGCATTATAGTTTGTGTCGTTGCAAAAAG-3'
Protein context (NP_005422.1, residues 201-221): KASSSSEEPS[His211Tyr]ASRRLCDVDI